The following is an entry in ClinVar:

NM_004990.4(MARS1):c.1430A>G (p.Asn477Ser)

Gene: MARS1 (methionyl-tRNA synthetase 1; plus strand). Cytogenetic location: 12q13.3.
Variant type: single nucleotide variant.
Coding change: c.1430A>G on transcript NM_004990.4 (MANE Select); coding-DNA position 1430, A replaced by G.
Protein change: p.Asn477Ser; replaces asparagine 477 with serine.
Molecular consequence: missense variant.
Genome position (GRCh38, 1-based): chr12:57,511,759, A>G. VCF-style: chr12-57511759-A-G. GRCh37 (hg19) VCF-style: chr12-57905542-A-G.
Other names: short protein forms N477S.
Identifiers: ClinVar variation 917033 (VCV000917033.10), dbSNP rs778085997, ClinGen allele CA6650518.

ClinVar aggregate classification (germline): Uncertain significance. Review status: criteria provided, multiple submitters, no conflicts (2 of 4 stars). 3 submissions from 3 submitters: Uncertain significance (3). Last evaluated 2024-08-01.

Conditions:
Severe early-onset pulmonary alveolar proteinosis due to MARS deficiency. Also called: PULMONARY ALVEOLAR PROTEINOSIS, REUNION ISLAND; Interstitial lung and liver disease. Identifiers: Orphanet 440427, MedGen C4225400, MONDO:0014206, OMIM 615486.
Charcot-Marie-Tooth disease axonal type 2U. Also called: CHARCOT-MARIE-TOOTH DISEASE, AXONAL, AUTOSOMAL DOMINANT, TYPE 2U; CHARCOT-MARIE-TOOTH NEUROPATHY, TYPE 2U. Identifiers: Orphanet 397735, MedGen C4084821, MONDO:0014566, OMIM 616280.
Charcot-Marie-Tooth disease. Also called: Charcot-Marie-Tooth Hereditary Neuropathy; Charcot-Marie-Tooth Neuropathy. Identifiers: Orphanet 166, MedGen C0007959, MONDO:0015626.

Allele frequency attached by ClinVar (database versions not stated): ExAC 0.00001; gnomAD 0.00001; gnomAD exomes 0.00002; TOPMed 0.00003.
gnomAD v4.1: 27 of 1,614,074 alleles (0.0017%); highest among the groups gnomAD compares: East Asian, 0.0089%; no homozygotes.

Submissions (3):

Labcorp Genetics (formerly Invitae), Labcorp
Classification: Uncertain significance for Charcot-Marie-Tooth disease axonal type 2U; Severe early-onset pulmonary alveolar proteinosis due to MARS deficiency. Last evaluated: 2024-08-01. Review status: criteria provided, single submitter. Criteria: Invitae Variant Classification Sherloc (09022015). Collection method: clinical testing. Allele origin: germline.
Comment: This sequence change replaces asparagine, which is neutral and polar, with serine, which is neutral and polar, at codon 477 of the MARS protein (p.Asn477Ser). This variant is present in population databases (rs778085997, gnomAD 0.006%). This missense change has been observed in individual(s) with MARS-related conditions (PMID: 32376792). ClinVar contains an entry for this variant (Variation ID: 917033). An algorithm developed to predict the effect of missense changes on protein structure and function (PolyPhen-2) suggests that this variant is likely to be disruptive. In summary, the available evidence is currently insufficient to determine the role of this variant in disease. Therefore, it has been classified as a Variant of Uncertain Significance.

Ambry Genetics
Classification: Uncertain significance. Last evaluated: 2023-05-16. Review status: criteria provided, single submitter. Criteria: Ambry Variant Classification Scheme 2023. Collection method: clinical testing. Allele origin: germline.

Molecular Genetics Laboratory, London Health Sciences Centre
Classification: Uncertain significance for Charcot-Marie-Tooth disease. Review status: criteria provided, single submitter. Criteria: ACMG Guidelines, 2015. Collection method: clinical testing. Allele origin: germline. Affected: yes.

Literature cited by the submitters: PubMed 32376792 (cited by Labcorp Genetics (formerly Invitae), Labcorp and Ambry Genetics).